The following is an entry in ClinVar:

NM_003998.4(NFKB1):c.481G>C (p.Ala161Pro)

Gene: NFKB1 (nuclear factor kappa B subunit 1; plus strand). Cytogenetic location: 4q24.
Variant type: single nucleotide variant.
Coding change: c.481G>C on transcript NM_003998.4 (MANE Select); coding-DNA position 481, G replaced by C.
Protein change: p.Ala161Pro; replaces alanine 161 with proline.
Molecular consequence: missense variant.
Genome position (GRCh38, 1-based): chr4:102,576,949, G>C. VCF-style: chr4-102576949-G-C. GRCh37 (hg19) VCF-style: chr4-103498106-G-C.
Other names: c.478G>C, p.Ala160Pro (NM_001165412.2, NM_001319226.2, NM_001382627.1); c.481G>C, p.Ala161Pro (NM_001382625.1, NM_001382626.1); c.439G>C, p.Ala147Pro (NM_001382628.1); short protein forms A147P, A160P, A161P.
Identifiers: ClinVar variation 4741060 (VCV004741060.1).

ClinVar aggregate classification (germline): Uncertain significance (1 of 4 stars; one submission).

Submission:

Labcorp Genetics (formerly Invitae), Labcorp
Classification: Uncertain significance. Last evaluated: 2026-01-26. Review status: criteria provided, single submitter. Criteria: Invitae Variant Classification Sherloc (09022015). Collection method: clinical testing. Allele origin: germline.
Comment: This sequence change replaces alanine, which is neutral and non-polar, with proline, which is neutral and non-polar, at codon 161 of the NFKB1 protein (p.Ala161Pro). This variant is not present in population databases (gnomAD no frequency). This variant has not been reported in the literature in individuals affected with NFKB1-related conditions. Invitae Evidence Modeling of protein sequence and biophysical properties (such as structural, functional, and spatial information, amino acid conservation, physicochemical variation, residue mobility, and thermodynamic stability) indicates that this missense variant is expected to disrupt NFKB1 protein function with a positive predictive value of 80%. In summary, the available evidence is currently insufficient to determine the role of this variant in disease. Therefore, it has been classified as a Variant of Uncertain Significance.